The following is an entry in ClinVar:

NM_001160148.2(DDHD1):c.1462A>G (p.Met488Val)

Gene: DDHD1 (DDHD domain containing 1; minus strand). Cytogenetic location: 14q22.1.
Variant type: single nucleotide variant.
Coding change: c.1462A>G on transcript NM_001160148.2 (MANE Select); coding-DNA position 1462, A replaced by G.
Protein change: p.Met488Val; replaces methionine 488 with valine.
Molecular consequence: missense variant.
Genome position (GRCh38, 1-based): chr14:53,072,638, T>C on the plus strand (A>G on the coding strand, the complement: DDHD1 is on the minus strand). VCF-style: chr14-53072638-T-C. GRCh37 (hg19) VCF-style: chr14-53539356-T-C.
Other names: c.1483A>G, p.Met495Val (NM_001160147.2); c.1462A>G, p.Met488Val (NM_030637.3); short protein forms M488V, M495V.
Identifiers: ClinVar variation 2137586 (VCV002137586.4), dbSNP rs1223998646, ClinGen allele CA389764013.

ClinVar aggregate classification (germline): Uncertain significance (1 of 4 stars; one submission).

Conditions:
Hereditary spastic paraplegia 28. Also called: Spastic paraplegia 28, autosomal recessive. Identifiers: Orphanet 101008, MedGen C1836295, MONDO:0012256, OMIM 609340.

Allele frequency attached by ClinVar (database versions not stated): gnomAD exomes below 0.00001.
gnomAD v4.1: 2 of 1,610,032 alleles (0.00012%); highest among the groups gnomAD compares: Non-Finnish European, 0.00017%; no homozygotes.

Submission:

Labcorp Genetics (formerly Invitae), Labcorp
Classification: Uncertain significance for Hereditary spastic paraplegia 28. Last evaluated: 2025-06-02. Review status: criteria provided, single submitter. Criteria: Invitae Variant Classification Sherloc (09022015). Collection method: clinical testing. Allele origin: germline.
Comment: This sequence change replaces methionine, which is neutral and non-polar, with valine, which is neutral and non-polar, at codon 495 of the DDHD1 protein (p.Met495Val). This variant is not present in population databases (gnomAD no frequency). This missense change has been observed in individual(s) with juvenile amyotrophic lateral sclerosis (PMID: 27999540). ClinVar contains an entry for this variant (Variation ID: 2137586). Invitae Evidence Modeling of protein sequence and biophysical properties (such as structural, functional, and spatial information, amino acid conservation, physicochemical variation, residue mobility, and thermodynamic stability) indicates that this missense variant is not expected to disrupt DDHD1 protein function with a negative predictive value of 80%. In summary, the available evidence is currently insufficient to determine the role of this variant in disease. Therefore, it has been classified as a Variant of Uncertain Significance.

Literature cited by the submitters: PubMed 27999540.